The following is an entry in ClinVar:

ClinVar aggregate classification (germline): Uncertain significance. Review status: criteria provided, multiple submitters, no conflicts (2 of 4 stars). 2 submissions from 2 submitters: Uncertain significance (2). Last evaluated 2023-03-27.

Conditions:
SETD1B-related disorder. Also called: SETD1B-related condition.

Allele frequency attached by ClinVar (database versions not stated): gnomAD 0.00001; TOPMed 0.00001.
gnomAD v4.1: 5 of 1,548,150 alleles (0.00032%); highest among the groups gnomAD compares: Non-Finnish European, 0.00044%; no homozygotes.

Submissions (2):

PreventionGenetics, part of Exact Sciences
Classification: Uncertain significance for SETD1B-related condition. Last evaluated: 2023-03-27. Review status: criteria provided, single submitter. Criteria: ACMG Guidelines, 2015. Collection method: clinical testing. Allele origin: germline.
Comment: The SETD1B c.1638T>G variant is predicted to result in the amino acid substitution p.Phe546Leu. To our knowledge, this variant has not been reported in the literature or in a large population database, indicating this variant is rare. At this time, the clinical significance of this variant is uncertain due to the absence of conclusive functional and genetic evidence.

GeneDx
Classification: Uncertain significance. Last evaluated: 2022-08-11. Review status: criteria provided, single submitter. Criteria: GeneDx Variant Classification Process June 2021. Collection method: clinical testing. Allele origin: germline. Affected: yes.
Comment: Not observed at significant frequency in large population cohorts (gnomAD); In silico analysis supports that this missense variant has a deleterious effect on protein structure/function; Has not been previously published as pathogenic or benign to our knowledge

NM_001353345.2(SETD1B):c.1638T>G (p.Phe546Leu)

Gene: SETD1B (SET domain containing 1B, histone lysine methyltransferase; plus strand). Cytogenetic location: 12q24.31.
Variant type: single nucleotide variant.
Coding change: c.1638T>G on transcript NM_001353345.2 (MANE Select); coding-DNA position 1638, T replaced by G.
Protein change: p.Phe546Leu; replaces phenylalanine 546 with leucine.
Molecular consequence: missense variant.
Genome position (GRCh38, 1-based): chr12:121,810,583, T>G. VCF-style: chr12-121810583-T-G. GRCh37 (hg19) VCF-style: chr12-122248489-T-G.
Other names: short protein forms F546L.
Identifiers: ClinVar variation 2430976 (VCV002430976.2), dbSNP rs1875982658, ClinGen allele CA386992339.
Genomic context (GRCh38, chr12:121,810,583, plus strand): 5'-GCAGATGGAGGGCAGCCCCATCTCCTCCTCCTCCTCCCAGCTCTCCCCACTGGCCCCCTT[T>G]GGCACCAACTCCCAGCCAGGCTTCCGGGGCCCCACGCCCCCCTCGTCACGCCCCTCCAGC-3'
Protein context (NP_001340274.1, residues 536-556): SSSQLSPLAP[Phe546Leu]GTNSQPGFRG